The following is an entry in ClinVar:

NM_001194.4(HCN2):c.1034G>A (p.Arg345His)

Genes: HCN2 (hyperpolarization activated cyclic nucleotide gated potassium and sodium channel 2; plus strand), LOC129391015 (MPRA-validated peak3211 silencer; plus strand). Cytogenetic location: 19p13.3.
Variant type: single nucleotide variant.
Coding change: c.1034G>A on transcript NM_001194.4 (MANE Select); coding-DNA position 1034, G replaced by A.
Protein change: p.Arg345His; replaces arginine 345 with histidine.
Molecular consequence: missense variant.
Genome position (GRCh38, 1-based): chr19:603,945, G>A. VCF-style: chr19-603945-G-A. GRCh37 (hg19) VCF-style: chr19-603945-G-A.
Other names: short protein forms R345H.
Identifiers: ClinVar variation 3393629 (VCV003393629.1).

ClinVar aggregate classification (germline): Uncertain significance (1 of 4 stars; one submission).

Submission:

GeneDx
Classification: Uncertain significance. Last evaluated: 2024-06-30. Review status: criteria provided, single submitter. Criteria: GeneDx Variant Classification Process June 2021. Collection method: clinical testing. Allele origin: germline. Affected: yes.
Comment: Not observed at significant frequency in large population cohorts (gnomAD); In silico analysis supports that this missense variant has a deleterious effect on protein structure/function; Has not been previously published as pathogenic or benign to our knowledge